The following is an entry in ClinVar:

ClinVar aggregate classification (germline): Benign. Review status: criteria provided, multiple submitters, no conflicts (2 of 4 stars). 2 submissions from 2 submitters: Benign (2). Last evaluated 2019-12-31.

Conditions:
Long QT syndrome (LQTS). Identifiers: MedGen C0023976, MeSH D008133, MONDO:0002442. Disease mechanism: loss of function. Inheritance: Various modes of inheritance.

Allele frequency attached by ClinVar (database versions not stated): 1000 Genomes Project 0.02037; gnomAD 0.02154 and 0.02322; 1000 Genomes Project 30x 0.02217; TOPMed 0.02458.
gnomAD v4.1: 3,243 of 152,348 alleles (2.1%); highest among the groups gnomAD compares: African/African-American, 7.3%; 110 homozygotes.

Submissions (2):

Labcorp Genetics (formerly Invitae), Labcorp
Classification: Benign for Long QT syndrome. Last evaluated: 2019-12-31. Review status: criteria provided, single submitter. Criteria: Invitae Variant Classification Sherloc (09022015). Collection method: clinical testing. Allele origin: germline.

GeneDx
Classification: Benign. Last evaluated: 2018-06-14. Review status: criteria provided, single submitter. Criteria: GeneDx Variant Classification (06012015). Collection method: clinical testing. Allele origin: germline. Affected: yes.
Comment: This variant is considered likely benign or benign based on one or more of the following criteria: it is a conservative change, it occurs at a poorly conserved position in the protein, it is predicted to be benign by multiple in silico algorithms, and/or has population frequency not consistent with disease.

NM_000719.7(CACNA1C):c.1390+188A>G

Gene: CACNA1C (calcium voltage-gated channel subunit alpha1 C; plus strand). Cytogenetic location: 12p13.33.
Variant type: single nucleotide variant.
Coding change: c.1390+188A>G on transcript NM_000719.7 (MANE Select); 188 bases into the intron after coding-DNA position 1390, A replaced by G.
Molecular consequence: intron variant.
Genome position (GRCh38, 1-based): chr12:2,513,172, A>G. VCF-style: chr12-2513172-A-G. GRCh37 (hg19) VCF-style: chr12-2622338-A-G.
Other names: c.1390+188A>G (NM_001167624.3, NM_001167623.2, NM_001167625.2 and 18 more transcripts); c.1381+188A>G (NM_001129844.2).
Identifiers: ClinVar variation 675502 (VCV000675502.5), dbSNP rs74053493, ClinGen allele CA231581590.
Genomic context (GRCh38, chr12:2,513,172, plus strand): 5'-TTATCTCACTGATGGCAGTCACTTGCTGCACACAGACATCGGTCACATGTGGGAAATCAT[A>G]GCTGTCGATCTAGAAAACCTCATGCTCCTTTTAGAATATTTCACCTTGAAAGACTGTTGA-3'